The following is an entry in ClinVar:

NM_014285.7(EXOSC2):c.451G>A (p.Asp151Asn)

Gene: EXOSC2 (exosome component 2; plus strand). Cytogenetic location: 9q34.12.
Variant type: single nucleotide variant.
Coding change: c.451G>A on transcript NM_014285.7 (MANE Select); coding-DNA position 451, G replaced by A.
Protein change: p.Asp151Asn; replaces aspartic acid 151 with asparagine.
Molecular consequence: missense variant. On other transcripts: intron variant (1).
Genome position (GRCh38, 1-based): chr9:130,700,891, G>A. VCF-style: chr9-130700891-G-A. GRCh37 (hg19) VCF-style: chr9-133576278-G-A.
Other names: c.361G>A, p.Asp121Asn (NM_001282709.1); c.427-1252G>A (NM_001282708.1); short protein forms D121N, D151N.
Identifiers: ClinVar variation 2108615 (VCV002108615.4), dbSNP rs2490794610, ClinGen allele CA375247679.

ClinVar aggregate classification (germline): Uncertain significance (1 of 4 stars; one submission).

Submission:

Labcorp Genetics (formerly Invitae), Labcorp
Classification: Uncertain significance. Last evaluated: 2022-08-16. Review status: criteria provided, single submitter. Criteria: Invitae Variant Classification Sherloc (09022015). Collection method: clinical testing. Allele origin: germline.
Comment: In summary, the available evidence is currently insufficient to determine the role of this variant in disease. Therefore, it has been classified as a Variant of Uncertain Significance. This sequence change replaces aspartic acid, which is acidic and polar, with asparagine, which is neutral and polar, at codon 151 of the EXOSC2 protein (p.Asp151Asn). This variant is not present in population databases (gnomAD no frequency). This variant has not been reported in the literature in individuals affected with EXOSC2-related conditions. Algorithms developed to predict the effect of missense changes on protein structure and function are either unavailable or do not agree on the potential impact of this missense change (SIFT: "Deleterious"; PolyPhen-2: "Probably Damaging"; Align-GVGD: "Class C0").